The following is an entry in ClinVar:

ClinVar aggregate classification (germline): Pathogenic. Review status: reviewed by expert panel (3 of 4 stars). 5 submissions from 5 submitters: Pathogenic (1). 4 of the submissions do not count toward it. Last evaluated 2016-09-08.

Conditions:
Hereditary breast ovarian cancer syndrome. Also called: Hereditary breast and ovarian cancer syndrome; Hereditary breast and ovarian cancer syndrome (HBOC); BRCA1- and BRCA2-Associated Hereditary Breast and Ovarian Cancer; Breast and ovarian cancer; Hereditary breast and ovarian cancer; Hereditary breast and/or ovarian cancer syndrome. Identifiers: Orphanet 145, MedGen C0677776, MeSH D061325, MONDO:0003582. Disease mechanism: loss of function.
Hereditary cancer-predisposing syndrome. Also called: Hereditary Cancer Syndrome; Hereditary neoplastic syndrome; Tumor predisposition; Neoplastic Syndromes, Hereditary. Identifiers: Orphanet 140162, MedGen C0027672, MeSH D009386, MONDO:0015356.
Breast-ovarian cancer, familial, susceptibility to, 1 (BROVCA1). Also called: OVARIAN CANCER, SUSCEPTIBILITY TO; BRCA1 Hereditary Breast and Ovarian Cancer. Identifiers: Orphanet 145, MedGen C2676676, MONDO:0011450, OMIM 604370. Disease mechanism: loss of function.

Allele frequency attached by ClinVar (database versions not stated): TOPMed 0.00001; ESP Exome Variant Server 0.00008.

Submissions (5):

Evidence-based Network for the Interpretation of Germline Mutant Alleles (ENIGMA)
Classification: Pathogenic for Breast-ovarian cancer, familial, susceptibility to, 1. Last evaluated: 2016-09-08. Review status: reviewed by expert panel. Criteria: ENIGMA BRCA1/2 Classification Criteria (2015). Collection method: curation. Allele origin: germline.
Comment: Variant allele predicted to encode a truncated non-functional protein.

Labcorp Genetics (formerly Invitae), Labcorp
Classification: Pathogenic for Hereditary breast ovarian cancer syndrome. Last evaluated: 2025-06-23. Review status: criteria provided, single submitter. Criteria: Invitae Variant Classification Sherloc (09022015). Collection method: clinical testing. Allele origin: germline. Not counted in ClinVar's aggregate classification.
Comment: This sequence change creates a premature translational stop signal (p.Glu1490*) in the BRCA1 gene. It is expected to result in an absent or disrupted protein product. Loss-of-function variants in BRCA1 are known to be pathogenic (PMID: 20104584). This variant is not present in population databases (gnomAD no frequency). This variant has not been reported in the literature in individuals affected with BRCA1-related conditions. ClinVar contains an entry for this variant (Variation ID: 162502). Algorithms developed to predict the effect of sequence changes on RNA splicing suggest that this variant may disrupt the consensus splice site. For these reasons, this variant has been classified as Pathogenic.

Ambry Genetics
Classification: Pathogenic for Hereditary cancer-predisposing syndrome. Last evaluated: 2023-08-26. Review status: criteria provided, single submitter. Criteria: Ambry Variant Classification Scheme 2023. Collection method: clinical testing. Allele origin: germline. Not counted in ClinVar's aggregate classification.
Comment: The p.E1490* pathogenic mutation (also known as c.4468G>T), located in coding exon 12 of the BRCA1 gene, results from a G to T substitution at nucleotide position 4468. This changes the amino acid from a glutamic acid to a stop codon within coding exon 12. This variant is considered to be rare based on population cohorts in the Genome Aggregation Database (gnomAD). This alteration is expected to result in loss of function by premature protein truncation or nonsense-mediated mRNA decay. As such, this alteration is interpreted as a disease-causing mutation.

Quest Diagnostics Nichols Institute San Juan Capistrano
Classification: Pathogenic. Last evaluated: 2018-12-14. Review status: criteria provided, single submitter. Criteria: Quest Diagnostics criteria. Collection method: clinical testing. Allele origin: germline. Not counted in ClinVar's aggregate classification.
Comment: The variant creates a premature nonsense codon, and is therefore predicted to result in the loss of a functional protein. Found in at least one symptomatic patient, and not found in general population data.

CSER _CC_NCGL, University of Washington
Classification: Likely pathogenic for Hereditary breast and ovarian cancer. Last evaluated: 2014-06-01. Review status: criteria provided, single submitter. Criteria: Amendola et al. (Genome Res. 2015). Collection method: research. Allele origin: germline. Inheritance: Autosomal dominant inheritance. Study: ESP 6500 variant annotation. Not counted in ClinVar's aggregate classification.
Comment: Variants classified for the Actionable exomic incidental findings in 6503 participants: challenges of variant classification manuscript

Literature cited by the submitters: PubMed 20104584 (cited by Labcorp Genetics (formerly Invitae), Labcorp).

NM_007294.4(BRCA1):c.4468G>T (p.Glu1490Ter)

Gene: BRCA1 (BRCA1 DNA repair associated; minus strand). Cytogenetic location: 17q21.31.
Variant type: single nucleotide variant.
Coding change: c.4468G>T on transcript NM_007294.4 (MANE Select); coding-DNA position 4468, G replaced by T.
Protein change: p.Glu1490Ter; replaces glutamic acid 1490 with a stop codon.
Molecular consequence: nonsense. On other transcripts: non-coding transcript variant (1).
Genome position (GRCh38, 1-based): chr17:43,076,504, C>A on the plus strand (G>T on the coding strand, the complement: BRCA1 is on the minus strand). VCF-style: chr17-43076504-C-A. GRCh37 (hg19) VCF-style: chr17-41228521-C-A.
Other names: c.4255G>T, p.Glu1419Ter (NM_001407571.1, NM_001407896.1, NM_001407897.1 and 12 more transcripts); c.4534G>T, p.Glu1512Ter (NM_001407581.1, NM_001407582.1); c.4531G>T, p.Glu1511Ter (NM_001407583.1, NM_001407585.1, NM_001407587.1 and 1 more transcripts); c.4528G>T, p.Glu1510Ter (NM_001407590.1, NM_001407591.1); c.4468G>T, p.Glu1490Ter (NM_001407593.1, NM_001407594.1, NM_001407596.1 and 8 more transcripts); c.4465G>T, p.Glu1489Ter (NM_001407610.1, NM_001407611.1, NM_001407612.1 and 17 more transcripts); c.4462G>T, p.Glu1488Ter (NM_001407627.1, NM_001407628.1, NM_001407629.1 and 14 more transcripts); c.4459G>T, p.Glu1487Ter (NM_001407645.1, NM_001407644.1); and 68 more; short protein forms E1443*, E1490*, E1511*, E386*, E1361*, E1377*, E1400*, E1419*.
Identifiers: ClinVar variation 162502 (VCV000162502.15), dbSNP rs138608489, ClinGen allele CA002864.